The following is an entry in ClinVar:

ClinVar aggregate classification (germline): Benign/Likely benign. Review status: criteria provided, multiple submitters, no conflicts (2 of 4 stars). 4 submissions from 4 submitters: Benign (1); Likely benign (3). Last evaluated 2026-01-28.

Conditions:
Interstitial lung disease due to ABCA3 deficiency. Also called: PULMONARY ALVEOLAR PROTEINOSIS, CONGENITAL, 3. Identifiers: Orphanet 440402, MedGen C1970456, MONDO:0012582, OMIM 610921.
Hereditary pulmonary alveolar proteinosis. Also called: Pulmonary surfactant metabolism dysfunction. Identifiers: Orphanet 264675, MedGen C3711368, MONDO:0012580.

Allele frequency attached by ClinVar (database versions not stated): 1000 Genomes Project 30x 0.00031; 1000 Genomes Project 0.00040; ESP Exome Variant Server 0.00046; gnomAD 0.00066; TOPMed 0.00072; gnomAD exomes 0.00076 and 0.00086; ExAC 0.00147.
gnomAD v4.1: 1,224 of 1,608,008 alleles (0.076%); highest among the groups gnomAD compares: Admixed American, 0.12%; 2 homozygotes.

Submissions (4):

Labcorp Genetics (formerly Invitae), Labcorp
Classification: Benign. Last evaluated: 2026-01-28. Review status: criteria provided, single submitter. Criteria: Invitae Variant Classification Sherloc (09022015). Collection method: clinical testing. Allele origin: germline.

Ambry Genetics
Classification: Likely benign for Hereditary pulmonary alveolar proteinosis. Last evaluated: 2021-02-01. Review status: criteria provided, single submitter. Criteria: Ambry Variant Classification Scheme 2023. Collection method: clinical testing. Allele origin: germline.

Illumina Laboratory Services, Illumina
Classification: Likely benign for Interstitial lung disease due to ABCA3 deficiency. Last evaluated: 2018-01-12. Review status: criteria provided, single submitter. Criteria: ICSL Variant Classification Criteria 13 December 2019. Collection method: clinical testing. Allele origin: germline.
Comment: This variant was observed in the ICSL laboratory as part of a predisposition screen in an ostensibly healthy population. It had not been previously curated by ICSL or reported in the Human Gene Mutation Database (HGMD: prior to June 1st, 2018), and was therefore a candidate for classification through an automated scoring system. Utilizing variant allele frequency, disease prevalence and penetrance estimates, and inheritance mode, an automated score was calculated to assess if this variant is too frequent to cause the disease. Based on the score and internal cut-off values, a variant classified as likely benign is not then subjected to further curation. The score for this variant resulted in a classification of likely benign for this disease.

Breakthrough Genomics
Classification: Likely benign. Review status: criteria provided, single submitter. Criteria: ACMG Guidelines, 2015. Collection method: not provided. Allele origin: germline. Inheritance: Autosomal recessive inheritance. Affected: yes.

NM_001089.3(ABCA3):c.2856C>T (p.Asp952=)

Gene: ABCA3 (ATP binding cassette subfamily A member 3; minus strand). Cytogenetic location: 16p13.3.
Variant type: single nucleotide variant.
Coding change: c.2856C>T on transcript NM_001089.3 (MANE Select); coding-DNA position 2856, C replaced by T.
Protein change: p.Asp952=; no amino-acid change (aspartic acid 952 retained).
Molecular consequence: synonymous variant.
Genome position (GRCh38, 1-based): chr16:2,288,174, G>A on the plus strand (C>T on the coding strand, the complement: ABCA3 is on the minus strand). VCF-style: chr16-2288174-G-A. GRCh37 (hg19) VCF-style: chr16-2338175-G-A.
Identifiers: ClinVar variation 887719 (VCV000887719.11), dbSNP rs146956803, ClinGen allele CA7840687.
Genomic context (GRCh38, chr16:2,288,174, plus strand): 5'-AACTGAGAAGGGCACGACGGTTCTGCCGTACTCGCCCAAGGTCAGCCTCAGCATGGGGTC[G>A]TCGAAGAGCTCCGAGGAGTAGTTGATGGCCAGGAGGGCCAGGGTGACGCAGGTCAGAGGC-3'
Protein context (NP_001080.2, residues 942-962): LAINYSSELF[Asp952=]DPMLRLTLGE